The following is an entry in ClinVar:

NM_020964.3(EPG5):c.4481A>G (p.Glu1494Gly)

Gene: EPG5 (ectopic P-granules 5 autophagy tethering factor; minus strand). Cytogenetic location: 18q21.1.
Variant type: single nucleotide variant.
Coding change: c.4481A>G on transcript NM_020964.3 (MANE Select); coding-DNA position 4481, A replaced by G.
Protein change: p.Glu1494Gly; replaces glutamic acid 1494 with glycine.
Molecular consequence: missense variant.
Genome position (GRCh38, 1-based): chr18:45,901,161, T>C on the plus strand (A>G on the coding strand, the complement: EPG5 is on the minus strand). VCF-style: chr18-45901161-T-C. GRCh37 (hg19) VCF-style: chr18-43481126-T-C.
Other names: c.4481A>G, p.Glu1494Gly (NM_001410858.1, NM_001410859.1); short protein forms E1494G.
Identifiers: ClinVar variation 2089389 (VCV002089389.4), dbSNP rs201631971, ClinGen allele CA402337985.
Genomic context (GRCh38, chr18:45,901,161, plus strand): 5'-GGGTGCAGAGCAAGGGGAGGCTGGGGAGCCTCATGCTTCCGCAAGTTACTTAAAACCCTT[T>C]CTTTAGCTGAAAGAAAATTAAGTCATATATACTGAGCAATCAGGTGAATTAGCAGGAGAA-3'
Protein context (NP_066015.2, residues 1484-1504): LDFTDPLLAK[Glu1494Gly]RVLSNLRKHE

ClinVar aggregate classification (germline): Uncertain significance (1 of 4 stars; one submission).

Conditions:
Vici syndrome (VICIS). Identifiers: Orphanet 1493, MedGen C1855772, MONDO:0009452, OMIM 242840.

Submission:

Labcorp Genetics (formerly Invitae), Labcorp
Classification: Uncertain significance for Vici syndrome. Last evaluated: 2022-01-25. Review status: criteria provided, single submitter. Criteria: Invitae Variant Classification Sherloc (09022015). Collection method: clinical testing. Allele origin: germline.
Comment: In summary, the available evidence is currently insufficient to determine the role of this variant in disease. Therefore, it has been classified as a Variant of Uncertain Significance. Algorithms developed to predict the effect of missense changes on protein structure and function (SIFT, PolyPhen-2, Align-GVGD) all suggest that this variant is likely to be tolerated. This variant has not been reported in the literature in individuals affected with EPG5-related conditions. This variant is not present in population databases (gnomAD no frequency). This sequence change replaces glutamic acid, which is acidic and polar, with glycine, which is neutral and non-polar, at codon 1494 of the EPG5 protein (p.Glu1494Gly).